The following is an entry in ClinVar:

ClinVar aggregate classification (germline): Uncertain significance (1 of 4 stars; one submission).

Allele frequency attached by ClinVar (database versions not stated): gnomAD 0.00001; TOPMed 0.00001; ExAC 0.00002.
gnomAD v4.1: 18 of 1,613,950 alleles (0.0011%); highest among the groups gnomAD compares: South Asian, 0.0055%; no homozygotes.

Submission:

GeneDx
Classification: Uncertain significance. Last evaluated: 2022-11-18. Review status: criteria provided, single submitter. Criteria: GeneDx Variant Classification Process June 2021. Collection method: clinical testing. Allele origin: germline. Affected: yes.
Comment: Reported heterozygous in a patient with optic neuropathy (Charif et al., 2021); In silico analysis supports that this missense variant has a deleterious effect on protein structure/function; This variant is associated with the following publications: (PMID: Akhtar2020[computational], 22571692, 33841295)

NM_003119.4(SPG7):c.1364C>T (p.Thr455Met)

Gene: SPG7 (SPG7 matrix AAA peptidase subunit, paraplegin; plus strand). Cytogenetic location: 16q24.3.
Variant type: single nucleotide variant.
Coding change: c.1364C>T on transcript NM_003119.4 (MANE Select); coding-DNA position 1364, C replaced by T.
Protein change: p.Thr455Met; replaces threonine 455 with methionine.
Molecular consequence: missense variant.
Genome position (GRCh38, 1-based): chr16:89,544,687, C>T. VCF-style: chr16-89544687-C-T. GRCh37 (hg19) VCF-style: chr16-89611095-C-T.
Other names: c.1364C>T, p.Thr455Met (NM_001363850.1); short protein forms T455M.
Identifiers: ClinVar variation 2502762 (VCV002502762.1), dbSNP rs780654018, ClinGen allele CA8244156.